The following is an entry in ClinVar:

ClinVar aggregate classification (germline): Uncertain significance. Review status: criteria provided, multiple submitters, no conflicts (2 of 4 stars). 2 submissions from 2 submitters: Uncertain significance (2). Last evaluated 2025-07-28.

Allele frequency attached by ClinVar (database versions not stated): TOPMed below 0.00001; gnomAD 0.00001; gnomAD exomes 0.00001.
gnomAD v4.1: 13 of 1,614,026 alleles (0.00081%); highest among the groups gnomAD compares: South Asian, 0.0066%; no homozygotes.

Submissions (2):

Labcorp Genetics (formerly Invitae), Labcorp
Classification: Uncertain significance. Last evaluated: 2025-07-28. Review status: criteria provided, single submitter. Criteria: Invitae Variant Classification Sherloc (09022015). Collection method: clinical testing. Allele origin: germline.
Comment: This sequence change replaces arginine, which is basic and polar, with glutamine, which is neutral and polar, at codon 607 of the TRPM1 protein (p.Arg607Gln). This variant is not present in population databases (gnomAD no frequency). This variant has not been reported in the literature in individuals affected with TRPM1-related conditions. ClinVar contains an entry for this variant (Variation ID: 282575). Invitae Evidence Modeling of protein sequence and biophysical properties (such as structural, functional, and spatial information, amino acid conservation, physicochemical variation, residue mobility, and thermodynamic stability) indicates that this missense variant is not expected to disrupt TRPM1 protein function with a negative predictive value of 95%. In summary, the available evidence is currently insufficient to determine the role of this variant in disease. Therefore, it has been classified as a Variant of Uncertain Significance.

Eurofins Ntd Llc (ga)
Classification: Uncertain significance. Last evaluated: 2015-08-27. Review status: criteria provided, single submitter. Criteria: EGL Classification Definitions 2015. Collection method: clinical testing. Allele origin: germline. Observed: 1 variant allele, 1 heterozygote.

NM_001252024.2(TRPM1):c.1886G>A (p.Arg629Gln)

Gene: TRPM1 (transient receptor potential cation channel subfamily M member 1; minus strand). Cytogenetic location: 15q13.3.
Variant type: single nucleotide variant.
Coding change: c.1886G>A on transcript NM_001252024.2 (MANE Select); coding-DNA position 1886, G replaced by A.
Protein change: p.Arg629Gln; replaces arginine 629 with glutamine.
Molecular consequence: missense variant.
Genome position (GRCh38, 1-based): chr15:31,042,152, C>T on the plus strand (G>A on the coding strand, the complement: TRPM1 is on the minus strand). VCF-style: chr15-31042152-C-T. GRCh37 (hg19) VCF-style: chr15-31334355-C-T.
Other names: c.1937G>A, p.Arg646Gln (NM_001252020.2); c.1820G>A, p.Arg607Gln (NM_002420.6); short protein forms R607Q, R629Q, R646Q.
Identifiers: ClinVar variation 282575 (VCV000282575.9), dbSNP rs886042426, ClinGen allele CA10604222.